The following is an entry in ClinVar:

NM_006231.4(POLE):c.869C>T (p.Thr290Ile)

Gene: POLE (DNA polymerase epsilon, catalytic subunit; minus strand). Cytogenetic location: 12q24.33.
Variant type: single nucleotide variant.
Coding change: c.869C>T on transcript NM_006231.4 (MANE Select); coding-DNA position 869, C replaced by T.
Protein change: p.Thr290Ile; replaces threonine 290 with isoleucine.
Molecular consequence: missense variant.
Genome position (GRCh38, 1-based): chr12:132,676,586, G>A on the plus strand (C>T on the coding strand, the complement: POLE is on the minus strand). VCF-style: chr12-132676586-G-A. GRCh37 (hg19) VCF-style: chr12-133253172-G-A.
Other names: short protein forms T290I.
Identifiers: ClinVar variation 484486 (VCV000484486.14), dbSNP rs1555229412, ClinGen allele CA387364250.

ClinVar aggregate classification (germline): Uncertain significance. Review status: criteria provided, multiple submitters, no conflicts (2 of 4 stars). 2 submissions from 2 submitters: Uncertain significance (2). Last evaluated 2025-10-10.

Conditions:
Hereditary cancer-predisposing syndrome. Also called: Neoplastic Syndromes, Hereditary; Tumor predisposition; Hereditary Cancer Syndrome; Hereditary neoplastic syndrome. Identifiers: Orphanet 140162, MedGen C0027672, MeSH D009386, MONDO:0015356.

Submissions (2):

Ambry Genetics
Classification: Uncertain significance for Hereditary cancer-predisposing syndrome. Last evaluated: 2025-10-10. Review status: criteria provided, single submitter. Criteria: Ambry Variant Classification Scheme 2023. Collection method: clinical testing. Allele origin: germline.
Comment: The p.T290I variant (also known as c.869C>T), located in coding exon 9 of the POLE gene, results from a C to T substitution at nucleotide position 869. The threonine at codon 290 is replaced by isoleucine, an amino acid with similar properties. This amino acid position is highly conserved in available vertebrate species. In addition, this alteration is predicted to be tolerated by in silico analysis. Based on the available evidence, the clinical significance of this variant remains unclear.

Labcorp Genetics (formerly Invitae), Labcorp
Classification: Uncertain significance. Last evaluated: 2021-01-19. Review status: criteria provided, single submitter. Criteria: Invitae Variant Classification Sherloc (09022015). Collection method: clinical testing. Allele origin: germline.
Comment: In summary, the available evidence is currently insufficient to determine the role of this variant in disease. Therefore, it has been classified as a Variant of Uncertain Significance. Algorithms developed to predict the effect of missense changes on protein structure and function are either unavailable or do not agree on the potential impact of this missense change (SIFT: "Deleterious"; PolyPhen-2: "Benign"; Align-GVGD: "Class C0"). This sequence change replaces threonine with isoleucine at codon 290 of the POLE protein (p.Thr290Ile). The threonine residue is highly conserved and there is a moderate physicochemical difference between threonine and isoleucine. This variant is not present in population databases (ExAC no frequency). This variant has not been reported in the literature in individuals with POLE-related conditions. ClinVar contains an entry for this variant (Variation ID: 484486).